The following is an entry in ClinVar:

NM_001394998.1(TANC2):c.5683C>A (p.Pro1895Thr)

Gene: TANC2 (tetratricopeptide repeat, ankyrin repeat and coiled-coil containing 2; plus strand). Cytogenetic location: 17q23.3.
Variant type: single nucleotide variant.
Coding change: c.5683C>A on transcript NM_001394998.1 (MANE Select); coding-DNA position 5683, C replaced by A.
Protein change: p.Pro1895Thr; replaces proline 1895 with threonine.
Molecular consequence: missense variant.
Genome position (GRCh38, 1-based): chr17:63,421,413, C>A. VCF-style: chr17-63421413-C-A. GRCh37 (hg19) VCF-style: chr17-61498774-C-A.
Other names: c.5431C>A, p.Pro1811Thr (NM_025185.4); short protein forms P1811T, P1895T.
Identifiers: ClinVar variation 1445622 (VCV001445622.11), dbSNP rs753770664, ClinGen allele CA292878369.
Genomic context (GRCh38, chr17:63,421,413, plus strand): 5'-TCCACCTCCAACCTAACTCCGACCTTCCGGCCATCTTCTTCCATCCAGCAAATGGAGATC[C>A]CACTGAAACCTGCATATGAGAGGTCATGTGACGAGCTGTCGCCAGTGTCTCCAACTCAAG-3'
Protein context (NP_001381927.1, residues 1885-1905): PSSSIQQMEI[Pro1895Thr]LKPAYERSCD

ClinVar aggregate classification (germline): Uncertain significance. Review status: criteria provided, multiple submitters, no conflicts (2 of 4 stars). 3 submissions from 3 submitters: Uncertain significance (3). Last evaluated 2023-03-16.

Conditions:
Intellectual developmental disorder with autistic features and language delay, with or without seizures. Identifiers: MedGen C5394447, MONDO:0030051, OMIM 618906.

gnomAD v4.1: 8 of 1,613,990 alleles (0.0005%); highest among the groups gnomAD compares: African/African-American, 0.0013%; no homozygotes.

Submissions (3):

Clinical Genetics Laboratory, Skane University Hospital Lund
Classification: Uncertain significance. Last evaluated: 2023-03-16. Review status: criteria provided, single submitter. Criteria: ACMG Guidelines, 2015. Collection method: clinical testing. Allele origin: germline. Affected: yes.

MGZ Medical Genetics Center
Classification: Uncertain significance for Intellectual developmental disorder with autistic features and language delay, with or without seizures. Last evaluated: 2022-05-02. Review status: criteria provided, single submitter. Criteria: ACMG Guidelines, 2015. Collection method: clinical testing. Allele origin: germline. Affected: yes. Observed: 1 variant allele.
Comment: ACMG criteria applied: PM2_SUP, BP4

Labcorp Genetics (formerly Invitae), Labcorp
Classification: Uncertain significance. Last evaluated: 2021-07-17. Review status: criteria provided, single submitter. Criteria: Invitae Variant Classification Sherloc (09022015). Collection method: clinical testing. Allele origin: germline.
Comment: This sequence change replaces proline with threonine at codon 1811 of the TANC2 protein (p.Pro1811Thr). The proline residue is moderately conserved and there is a small physicochemical difference between proline and threonine. This variant is not present in population databases (ExAC no frequency). This variant has not been reported in the literature in individuals affected with TANC2-related conditions. Algorithms developed to predict the effect of missense changes on protein structure and function are either unavailable or do not agree on the potential impact of this missense change (SIFT: "Deleterious"; PolyPhen-2: "Probably Damaging"; Align-GVGD: "Class C0"). In summary, the available evidence is currently insufficient to determine the role of this variant in disease. Therefore, it has been classified as a Variant of Uncertain Significance.